The following is an entry in ClinVar:

ClinVar aggregate classification (germline): Conflicting classifications of pathogenicity. Review status: criteria provided, conflicting classifications (1 of 4 stars). 5 submissions from 5 submitters: Uncertain significance (1); Benign (2); Likely benign (1). 1 of the submissions does not count toward it. Last evaluated 2026-04-01.

Conditions:
GRID2-related disorder. Also called: GRID2-related condition.
Autosomal recessive spinocerebellar ataxia 18. Identifiers: Orphanet 363432, MedGen C4015505, MONDO:0014530, OMIM 616204.

Allele frequency attached by ClinVar (database versions not stated): 1000 Genomes Project 30x 0.00047; 1000 Genomes Project 0.00060; ExAC 0.00094; gnomAD exomes 0.00104; TOPMed 0.00107; gnomAD 0.00125; ESP Exome Variant Server 0.00161.
gnomAD v4.1: 1,731 of 1,613,900 alleles (0.11%); highest among the groups gnomAD compares: Non-Finnish European, 0.12%; 5 homozygotes.

Submissions (5):

CeGaT Center for Human Genetics Tuebingen
Classification: Likely benign. Last evaluated: 2026-04-01. Review status: criteria provided, single submitter. Criteria: CeGaT Center For Human Genetics Tuebingen Variant Classification Criteria Version 2. Collection method: clinical testing. Allele origin: germline. Affected: yes. Observed: 3 variant alleles.
Comment: GRID2: BS2

Labcorp Genetics (formerly Invitae), Labcorp
Classification: Benign. Last evaluated: 2026-01-12. Review status: criteria provided, single submitter. Criteria: Invitae Variant Classification Sherloc (09022015). Collection method: clinical testing. Allele origin: germline.

Mayo Clinic Laboratories, Mayo Clinic
Classification: Benign. Last evaluated: 2025-08-20. Review status: criteria provided, single submitter. Criteria: ACMG Guidelines, 2015. Collection method: clinical testing. Allele origin: germline. Observed: 1 variant allele.
Comment: BS1, BS2, BP4

Institute of Human Genetics, University of Leipzig Medical Center
Classification: Uncertain significance for Autosomal recessive spinocerebellar ataxia 18. Last evaluated: 2023-05-08. Review status: criteria provided, single submitter. Criteria: ACMG Guidelines, 2015. Collection method: research. Allele origin: maternal. Affected: yes. Observed: 2 variant alleles, 2 heterozygotes. Clinical features observed: Microcephaly (HP:0000252), Hypotonia (HP:0001252), Motor delay (HP:0001270), Delayed speech and language development (HP:0000750), Abnormal facial shape (HP:0001999), Spastic gait (HP:0002064).

PreventionGenetics, part of Exact Sciences
Classification: Likely benign for GRID2-related condition. Last evaluated: 2020-04-02. Review status: no assertion criteria provided. Collection method: clinical testing. Allele origin: germline. Not counted in ClinVar's aggregate classification.
Comment: This variant is classified as likely benign based on ACMG/AMP sequence variant interpretation guidelines (Richards et al. 2015 PMID: 25741868, with internal and published modifications).

Literature cited by the submitters: PubMed 32483926 (cited by Mayo Clinic Laboratories, Mayo Clinic); PubMed 37944084 (cited by Mayo Clinic Laboratories, Mayo Clinic).

NM_001510.4(GRID2):c.2921T>A (p.Phe974Tyr)

Gene: GRID2 (glutamate ionotropic receptor delta type subunit 2; plus strand). Cytogenetic location: 4q22.2.
Variant type: single nucleotide variant.
Coding change: c.2921T>A on transcript NM_001510.4 (MANE Select); coding-DNA position 2921, T replaced by A.
Protein change: p.Phe974Tyr; replaces phenylalanine 974 with tyrosine.
Molecular consequence: missense variant.
Genome position (GRCh38, 1-based): chr4:93,772,395, T>A. VCF-style: chr4-93772395-T-A. GRCh37 (hg19) VCF-style: chr4-94693546-T-A.
Other names: p.Phe974Tyr; c.2636T>A, p.Phe879Tyr (NM_001286838.1); c.2921T>A (NM_001510.3); short protein forms F879Y, F974Y.
Identifiers: ClinVar variation 2050505 (VCV002050505.31), dbSNP rs144455304, ClinGen allele CA3012633.
Genomic context (GRCh38, chr4:93,772,395, plus strand): 5'-TTGGCAACGTGCCTGAGCACCGAACTGGCCCTTTTAGGCACAGGGCACCTAATGGGGGCT[T>A]TTTCAGGAGTCCTATAAAAACAATGTCATCTATTCCTTATCAACCAACTCCTACCCTGGG-3'
Protein context (NP_001501.2, residues 964-984): PFRHRAPNGG[Phe974Tyr]FRSPIKTMSS